The following is an entry in ClinVar:

NM_003896.4(ST3GAL5):c.176G>A (p.Arg59Lys)

Gene: ST3GAL5 (ST3 beta-galactoside alpha-2,3-sialyltransferase 5; minus strand). Cytogenetic location: 2p11.2.
Variant type: single nucleotide variant.
Coding change: c.176G>A on transcript NM_003896.4 (MANE Select); coding-DNA position 176, G replaced by A.
Protein change: p.Arg59Lys; replaces arginine 59 with lysine.
Molecular consequence: missense variant. On other transcripts: 5 prime UTR variant (5).
Genome position (GRCh38, 1-based): chr2:85,863,392, C>T on the plus strand (G>A on the coding strand, the complement: ST3GAL5 is on the minus strand). VCF-style: chr2-85863392-C-T. GRCh37 (hg19) VCF-style: chr2-86090515-C-T.
Other names: c.107G>A, p.Arg36Lys (NM_001042437.2); c.-386G>A (NM_001354223.2, NM_001354226.2); c.-449G>A (NM_001354224.2); c.92G>A, p.Arg31Lys (NM_001354227.2, NM_001354229.2, NM_001354238.1); c.-826G>A (NM_001354233.2); c.-790G>A (NM_001354234.1); c.176G>A, p.Arg59Lys (NM_001363847.1); short protein forms R36K, R31K, R59K.
Identifiers: ClinVar variation 1476669 (VCV001476669.5), dbSNP rs755169375, ClinGen allele CA1745147.
Genomic context (GRCh38, chr2:85,863,392, plus strand): 5'-GGGATCTACAGTCCCAGGGGCGGTACTTACTTGAGGATGTCTTTTAATAACAAGCTGGGC[C>T]TTCTCATCTTGCTTTGAGCTCGGGTGTACCATTGCAGGGAAGGCCTCGAGCAATCACTTC-3'
Protein context (NP_003887.3, residues 49-69): WYTRAQSKMR[Arg59Lys]PSLLLKDILK

ClinVar aggregate classification (germline): Uncertain significance (1 of 4 stars; one submission).

Conditions:
GM3 synthase deficiency (SPDRS). Also called: SALT AND PEPPER MENTAL RETARDATION SYNDROME; SALT AND PEPPER DEVELOPMENTAL REGRESSION SYNDROME; AMISH INFANTILE EPILEPSY SYNDROME. Identifiers: Orphanet 171714, Orphanet 370933, MedGen C1836824, MONDO:0018274, OMIM 609056.

Allele frequency attached by ClinVar (database versions not stated): gnomAD exomes below 0.00001 and 0.00003; ExAC 0.00001; gnomAD 0.00001; TOPMed 0.00002.
gnomAD v4.1: 43 of 1,614,094 alleles (0.0027%); highest among the groups gnomAD compares: Non-Finnish European, 0.0035%; no homozygotes.

Submission:

Labcorp Genetics (formerly Invitae), Labcorp
Classification: Uncertain significance for GM3 synthase deficiency. Last evaluated: 2022-07-14. Review status: criteria provided, single submitter. Criteria: Invitae Variant Classification Sherloc (09022015). Collection method: clinical testing. Allele origin: germline.
Comment: This sequence change replaces arginine, which is basic and polar, with lysine, which is basic and polar, at codon 59 of the ST3GAL5 protein (p.Arg59Lys). This variant is present in population databases (rs755169375, gnomAD 0.004%). This variant has not been reported in the literature in individuals affected with ST3GAL5-related conditions. ClinVar contains an entry for this variant (Variation ID: 1476669). Algorithms developed to predict the effect of missense changes on protein structure and function are either unavailable or do not agree on the potential impact of this missense change (SIFT: "Deleterious"; PolyPhen-2: "Benign"; Align-GVGD: "Class C0"). In summary, the available evidence is currently insufficient to determine the role of this variant in disease. Therefore, it has been classified as a Variant of Uncertain Significance.